The following is an entry in ClinVar:

NM_014795.4(ZEB2):c.3188G>A (p.Arg1063His)

Gene: ZEB2 (zinc finger E-box binding homeobox 2; minus strand). Cytogenetic location: 2q22.3.
Variant type: single nucleotide variant.
Coding change: c.3188G>A on transcript NM_014795.4 (MANE Select); coding-DNA position 3188, G replaced by A.
Protein change: p.Arg1063His; replaces arginine 1063 with histidine.
Molecular consequence: missense variant.
Genome position (GRCh38, 1-based): chr2:144,389,908, C>T on the plus strand (G>A on the coding strand, the complement: ZEB2 is on the minus strand). VCF-style: chr2-144389908-C-T. GRCh37 (hg19) VCF-style: chr2-145147475-C-T.
Other names: c.3116G>A, p.Arg1039His (NM_001171653.2); short protein forms R1039H, R1063H.
Identifiers: ClinVar variation 2413057 (VCV002413057.3), dbSNP rs2549101920, ClinGen allele CA348700508.

ClinVar aggregate classification (germline): Uncertain significance (1 of 4 stars; one submission).

Submission:

GeneDx
Classification: Uncertain significance. Last evaluated: 2022-07-26. Review status: criteria provided, single submitter. Criteria: GeneDx Variant Classification Process June 2021. Collection method: clinical testing. Allele origin: germline. Affected: yes.
Comment: Not observed at significant frequency in large population cohorts (gnomAD); In silico analysis supports that this missense variant has a deleterious effect on protein structure/function; Has not been previously published as pathogenic or benign to our knowledge; This variant is associated with the following publications: (PMID: 16053902)